The following is an entry in ClinVar:

NM_182961.4(SYNE1):c.7303C>G (p.Arg2435Gly)

Gene: SYNE1 (spectrin repeat containing nuclear envelope protein 1; minus strand). Cytogenetic location: 6q25.2.
Variant type: single nucleotide variant.
Coding change: c.7303C>G on transcript NM_182961.4 (MANE Select); coding-DNA position 7303, C replaced by G.
Protein change: p.Arg2435Gly; replaces arginine 2435 with glycine.
Molecular consequence: missense variant.
Genome position (GRCh38, 1-based): chr6:152,398,666, G>C on the plus strand (C>G on the coding strand, the complement: SYNE1 is on the minus strand). VCF-style: chr6-152398666-G-C. GRCh37 (hg19) VCF-style: chr6-152719801-G-C.
Other names: c.7324C>G, p.Arg2442Gly (NM_033071.5); short protein forms R2442G, R2435G.
Identifiers: ClinVar variation 850248 (VCV000850248.9), dbSNP rs370082646, ClinGen allele CA366115505.

ClinVar aggregate classification (germline): Uncertain significance (1 of 4 stars; one submission).

Conditions:
Emery-Dreifuss muscular dystrophy 4, autosomal dominant (EDMD4). Also called: EMERY-DREIFUSS MUSCULAR DYSTROPHY 4 WITH VARIABLE FEATURES. Identifiers: Orphanet 261, MedGen C2751807, MONDO:0013071, OMIM 612998.
Autosomal recessive ataxia, Beauce type. Also called: ATAXIA, RECESSIVE, OF BEAUCE; SYNE1 Deficiency; Spinocerebellar ataxia, autosomal recessive 8; SYNE1-Related Autosomal Recessive Cerebellar Ataxia. Identifiers: Orphanet 88644, MedGen C1853116, MONDO:0012549, OMIM 610743.

Submission:

Labcorp Genetics (formerly Invitae), Labcorp
Classification: Uncertain significance for Emery-Dreifuss muscular dystrophy 4, autosomal dominant; Autosomal recessive ataxia, Beauce type. Last evaluated: 2022-03-09. Review status: criteria provided, single submitter. Criteria: Invitae Variant Classification Sherloc (09022015). Collection method: clinical testing. Allele origin: germline.
Comment: In summary, the available evidence is currently insufficient to determine the role of this variant in disease. Therefore, it has been classified as a Variant of Uncertain Significance. Algorithms developed to predict the effect of missense changes on protein structure and function (SIFT, PolyPhen-2, Align-GVGD) all suggest that this variant is likely to be tolerated. ClinVar contains an entry for this variant (Variation ID: 850248). This variant has not been reported in the literature in individuals affected with SYNE1-related conditions. This variant is not present in population databases (gnomAD no frequency). This sequence change replaces arginine, which is basic and polar, with glycine, which is neutral and non-polar, at codon 2442 of the SYNE1 protein (p.Arg2442Gly).